The following is an entry in ClinVar:

NM_006269.2(RP1):c.872A>G (p.Asp291Gly)

Gene: RP1 (RP1 axonemal microtubule associated; plus strand). Cytogenetic location: 8q12.1.
Variant type: single nucleotide variant.
Coding change: c.872A>G on transcript NM_006269.2 (MANE Select); coding-DNA position 872, A replaced by G.
Protein change: p.Asp291Gly; replaces aspartic acid 291 with glycine.
Molecular consequence: missense variant. On other transcripts: intron variant (1).
Genome position (GRCh38, 1-based): chr8:54,624,754, A>G. VCF-style: chr8-54624754-A-G. GRCh37 (hg19) VCF-style: chr8-55537314-A-G.
Other names: c.787+2466A>G (NM_001375654.1); short protein forms D291G.
Identifiers: ClinVar variation 2862589 (VCV002862589.3), dbSNP rs2536566989, ClinGen allele CA370988769.

ClinVar aggregate classification (germline): Uncertain significance (1 of 4 stars; one submission).

Allele frequency attached by ClinVar (database versions not stated): gnomAD exomes below 0.00001.
gnomAD v4.1: 1 of 1,613,902 alleles (0.000062%); highest among the groups gnomAD compares: Admixed American, 0.0017%; no homozygotes.

Submission:

Labcorp Genetics (formerly Invitae), Labcorp
Classification: Uncertain significance. Last evaluated: 2023-05-07. Review status: criteria provided, single submitter. Criteria: Invitae Variant Classification Sherloc (09022015). Collection method: clinical testing. Allele origin: germline.
Comment: This variant is not present in population databases (gnomAD no frequency). In summary, the available evidence is currently insufficient to determine the role of this variant in disease. Therefore, it has been classified as a Variant of Uncertain Significance. An algorithm developed to predict the effect of missense changes on protein structure and function (PolyPhen-2) suggests that this variant is likely to be tolerated. This variant has not been reported in the literature in individuals affected with RP1-related conditions. This sequence change replaces aspartic acid, which is acidic and polar, with glycine, which is neutral and non-polar, at codon 291 of the RP1 protein (p.Asp291Gly).